The following is an entry in ClinVar:

ClinVar aggregate classification (germline): Pathogenic (1 of 4 stars; one submission).

Submission:

Labcorp Genetics (formerly Invitae), Labcorp
Classification: Pathogenic. Last evaluated: 2025-07-07. Review status: criteria provided, single submitter. Criteria: Invitae Variant Classification Sherloc (09022015). Collection method: clinical testing. Allele origin: germline.
Comment: This sequence change creates a premature translational stop signal (p.Gln174Profs*16) in the TYMP gene. It is expected to result in an absent or disrupted protein product. Loss-of-function variants in TYMP are known to be pathogenic (PMID: 9924029, 15781193). This variant is not present in population databases (gnomAD no frequency). This variant has not been reported in the literature in individuals affected with TYMP-related conditions. For these reasons, this variant has been classified as Pathogenic.

Literature cited by the submitters: PubMed 9924029; PubMed 15781193.

NM_001953.5(TYMP):c.520dup (p.Gln174fs)

Gene: TYMP (thymidine phosphorylase; minus strand). Cytogenetic location: 22q13.33.
Variant type: Duplication.
Coding change: c.520dup on transcript NM_001953.5 (MANE Select); coding-DNA position 520, one base duplicated (C; older notation c.520dupC).
Protein change: p.Gln174fs; shifts the reading frame from glutamine 174.
Molecular consequence: frameshift variant.
Genome position (GRCh38, 1-based): chr22:50,527,714, G duplicated on the plus strand (C on the coding strand, the reverse complement: TYMP is on the minus strand). VCF-style (leftmost placement, unchanged base first): chr22-50527713-T-TG. GRCh37 (hg19) VCF-style: chr22-50966142-T-TG.
Other names: c.520dup, p.Gln174fs (NM_001113755.3, NM_001113756.3, NM_001257988.1 and 1 more transcripts); short protein forms Q174fs.
Identifiers: ClinVar variation 4722647 (VCV004722647.1).